The following is an entry in ClinVar:

NM_001039141.3(TRIOBP):c.3661C>T (p.Arg1221Trp)

Gene: TRIOBP (TRIO and F-actin binding protein; plus strand). Cytogenetic location: 22q13.1.
Variant type: single nucleotide variant.
Coding change: c.3661C>T on transcript NM_001039141.3 (MANE Select); coding-DNA position 3661, C replaced by T.
Protein change: p.Arg1221Trp; replaces arginine 1221 with tryptophan.
Molecular consequence: missense variant.
Genome position (GRCh38, 1-based): chr22:37,726,217, C>T. VCF-style: chr22-37726217-C-T. GRCh37 (hg19) VCF-style: chr22-38122224-C-T.
Other names: c.3661C>T (NM_001039141.2); short protein forms R1221W.
Identifiers: ClinVar variation 1523796 (VCV001523796.7), dbSNP rs375575197, ClinGen allele CA10224174.

ClinVar aggregate classification (germline): Uncertain significance. Review status: criteria provided, multiple submitters, no conflicts (2 of 4 stars). 2 submissions from 2 submitters: Uncertain significance (2). Last evaluated 2026-09-15.

Allele frequency attached by ClinVar (database versions not stated): gnomAD exomes 0.00009 and 0.00011; gnomAD 0.00009; ExAC 0.00014; 1000 Genomes Project 30x 0.00016; TOPMed 0.00007; ESP Exome Variant Server 0.00008.

Submissions (2):

GeneDx
Classification: Uncertain significance. Last evaluated: 2026-09-15. Review status: criteria provided, single submitter. Criteria: GeneDx Variant Classification Process June 2021. Collection method: clinical testing. Allele origin: germline.
Comment: Reported with a second variant on the opposite allele (in trans) in a patient with bilateral sensorineural hearing loss in published literature (PMID: 39296067); In silico analysis supports that this missense variant has a deleterious effect on protein structure/function; This variant is associated with the following publications: (PMID: 27984600, 39296067)

Labcorp Genetics (formerly Invitae), Labcorp
Classification: Uncertain significance. Last evaluated: 2021-08-14. Review status: criteria provided, single submitter. Criteria: Invitae Variant Classification Sherloc (09022015). Collection method: clinical testing. Allele origin: germline.
Comment: This sequence change replaces arginine with tryptophan at codon 1221 of the TRIOBP protein (p.Arg1221Trp). The arginine residue is weakly conserved and there is a moderate physicochemical difference between arginine and tryptophan. This variant is present in population databases (rs375575197, ExAC 0.08%). This variant has been observed in individual(s) with deafness (PMID: 27984600). Algorithms developed to predict the effect of missense changes on protein structure and function are either unavailable or do not agree on the potential impact of this missense change (SIFT: "Deleterious"; PolyPhen-2: "Probably Damaging"; Align-GVGD: "Class C0"). In summary, the available evidence is currently insufficient to determine the role of this variant in disease. Therefore, it has been classified as a Variant of Uncertain Significance.

Literature cited by the submitters: PubMed 27984600 (cited by Labcorp Genetics (formerly Invitae), Labcorp).